The following is an entry in ClinVar:

ClinVar aggregate classification (germline): Uncertain significance (1 of 4 stars; one submission).

Conditions:
Multiple endocrine neoplasia, type 1 (MEN1). Also called: MEN I; WERMER SYNDROME; Endocrine adenomatosis multiple; MEN 1; MEA I. Identifiers: Orphanet 652, MedGen C0025267, MeSH D018761, MONDO:0007540, OMIM 131100.

Submission:

All of Us Research Program, National Institutes of Health
Classification: Uncertain significance for Multiple endocrine neoplasia, type 1. Last evaluated: 2024-01-11. Review status: criteria provided, single submitter. Criteria: ACMG Guidelines, 2015. Collection method: clinical testing. Allele origin: germline. Inheritance: Autosomal dominant inheritance. Observed: 1 variant allele, 1 heterozygote.
Comment: This study involves interpretation of variants in research participants for the purpose of population health screening. Participant phenotype was not available at the time of variant classification. Additional details can be found in publication PMID: 35346344, PMCID: PMC8962531

NM_001370259.2(MEN1):c.1532T>C (p.Val511Ala)

Gene: MEN1 (menin 1; minus strand). Cytogenetic location: 11q13.1.
Variant type: single nucleotide variant.
Coding change: c.1532T>C on transcript NM_001370259.2 (MANE Select); coding-DNA position 1532, T replaced by C.
Protein change: p.Val511Ala; replaces valine 511 with alanine.
Molecular consequence: missense variant. On other transcripts: non-coding transcript variant (4).
Genome position (GRCh38, 1-based): chr11:64,804,635, A>G on the plus strand (T>C on the coding strand, the complement: MEN1 is on the minus strand). VCF-style: chr11-64804635-A-G. GRCh37 (hg19) VCF-style: chr11-64572107-A-G.
Other names: c.1547T>C, p.Val516Ala (NM_000244.4, NM_001407145.1, NM_130800.3 and 4 more transcripts); c.1658T>C, p.Val553Ala (NM_001370251.2, NM_001407142.1, NM_001407143.1 and 1 more transcripts); c.1532T>C, p.Val511Ala (NM_001370260.2, NM_001370261.2, NM_001407146.1 and 2 more transcripts); c.1427T>C, p.Val476Ala (NM_001370262.2, NM_001370263.2, NM_001407148.1 and 1 more transcripts); c.1673T>C, p.Val558Ala (NM_001407150.1); c.1553T>C, p.Val518Ala (NM_001407151.1); c.1367T>C, p.Val456Ala (NM_001407152.1); short protein forms V456A, V476A, V511A, V516A, V518A, V553A, V558A.
Identifiers: ClinVar variation 3075012 (VCV003075012.1), dbSNP rs2497116523, ClinGen allele CA381178640.